The following is an entry in ClinVar:

NM_139125.4(MASP1):c.612C>A (p.Asn204Lys)

Gene: MASP1 (MBL associated serine protease 1; minus strand). Cytogenetic location: 3q27.3.
Variant type: single nucleotide variant.
Coding change: c.612C>A on transcript NM_139125.4 (MANE Select); coding-DNA position 612, C replaced by A.
Protein change: p.Asn204Lys; replaces asparagine 204 with lysine.
Molecular consequence: missense variant. On other transcripts: non-coding transcript variant (1).
Genome position (GRCh38, 1-based): chr3:187,256,796, G>T on the plus strand (C>A on the coding strand, the complement: MASP1 is on the minus strand). VCF-style: chr3-187256796-G-T. GRCh37 (hg19) VCF-style: chr3-186974584-G-T.
Other names: c.612C>A, p.Asn204Lys (NM_001031849.3, NM_001879.6); short protein forms N204K.
Identifiers: ClinVar variation 3766218 (VCV003766218.1).

ClinVar aggregate classification (germline): Uncertain significance (1 of 4 stars; one submission).

gnomAD v4.1: 3 of 1,614,028 alleles (0.00019%); highest among the groups gnomAD compares: African/African-American, 0.004%; no homozygotes.

Submission:

GeneDx
Classification: Uncertain significance. Last evaluated: 2024-08-25. Review status: criteria provided, single submitter. Criteria: GeneDx Variant Classification Process June 2021. Collection method: clinical testing. Allele origin: germline. Affected: yes.
Comment: Not observed at significant frequency in large population cohorts (gnomAD); In silico analysis indicates that this missense variant does not alter protein structure/function; Has not been previously published as pathogenic or benign to our knowledge